The following is an entry in ClinVar:

ClinVar aggregate classification (germline): Uncertain significance (1 of 4 stars; one submission).

Conditions:
Congenital myasthenic syndrome 20. Also called: Myasthenic syndrome, congenital, 20, presynaptic. Identifiers: MedGen C4310694, MONDO:0014939, OMIM 617143.
Neuronopathy, distal hereditary motor, type 7A. Also called: HARPER-YOUNG MYOPATHY; HMN VIIA; SPINAL MUSCULAR ATROPHY, DISTAL, WITH VOCAL CORD PARALYSIS; Neuronopathy, distal hereditary motor, type viia; NEURONOPATHY, DISTAL HEREDITARY MOTOR, HARDING TYPE VIIA; NEUROPATHY, DISTAL HEREDITARY MOTOR, HARDING TYPE VIIA. Identifiers: Orphanet 139589, MedGen C1834703, MONDO:0008024, OMIM 158580.

Allele frequency attached by ClinVar (database versions not stated): TOPMed below 0.00001; gnomAD 0.00001; gnomAD exomes 0.00001.
gnomAD v4.1: 8 of 1,613,834 alleles (0.0005%); highest among the groups gnomAD compares: African/African-American, 0.0013%; no homozygotes.

Submission:

Labcorp Genetics (formerly Invitae), Labcorp
Classification: Uncertain significance for Neuronopathy, distal hereditary motor, type 7A; Congenital myasthenic syndrome 20. Last evaluated: 2023-07-25. Review status: criteria provided, single submitter. Criteria: Invitae Variant Classification Sherloc (09022015). Collection method: clinical testing. Allele origin: germline.
Comment: In summary, the available evidence is currently insufficient to determine the role of this variant in disease. Therefore, it has been classified as a Variant of Uncertain Significance. Advanced modeling of protein sequence and biophysical properties (such as structural, functional, and spatial information, amino acid conservation, physicochemical variation, residue mobility, and thermodynamic stability) performed at Invitae indicates that this missense variant is not expected to disrupt SLC5A7 protein function. ClinVar contains an entry for this variant (Variation ID: 2066259). This variant has not been reported in the literature in individuals affected with SLC5A7-related conditions. This variant is not present in population databases (gnomAD no frequency). This sequence change replaces valine, which is neutral and non-polar, with isoleucine, which is neutral and non-polar, at codon 203 of the SLC5A7 protein (p.Val203Ile).

NM_021815.5(SLC5A7):c.607G>A (p.Val203Ile)

Gene: SLC5A7 (solute carrier family 5 member 7; plus strand). Cytogenetic location: 2q12.3.
Variant type: single nucleotide variant.
Coding change: c.607G>A on transcript NM_021815.5 (MANE Select); coding-DNA position 607, G replaced by A.
Protein change: p.Val203Ile; replaces valine 203 with isoleucine.
Molecular consequence: missense variant. On other transcripts: intron variant (1).
Genome position (GRCh38, 1-based): chr2:108,001,906, G>A. VCF-style: chr2-108001906-G-A. GRCh37 (hg19) VCF-style: chr2-108618362-G-A.
Other names: c.607G>A, p.Val203Ile (NM_001305005.3); c.292G>A, p.Val98Ile (NM_001305006.3); c.-107-28G>A (NM_001305007.3); short protein forms V203I, V98I.
Identifiers: ClinVar variation 2066259 (VCV002066259.4), dbSNP rs1407757845, ClinGen allele CA348112725.